The following is an entry in ClinVar:

ClinVar aggregate classification (germline): Uncertain significance (1 of 4 stars; one submission).

Allele frequency attached by ClinVar (database versions not stated): TOPMed 0.00001.
gnomAD v4.1: 1 of 1,173,270 alleles (0.000085%); no homozygotes.

Submission:

Labcorp Genetics (formerly Invitae), Labcorp
Classification: Uncertain significance. Last evaluated: 2021-01-29. Review status: criteria provided, single submitter. Criteria: Invitae Variant Classification Sherloc (09022015). Collection method: clinical testing. Allele origin: germline.
Comment: This variant is not present in population databases (ExAC no frequency). In summary, the available evidence is currently insufficient to determine the role of this variant in disease. Therefore, it has been classified as a Variant of Uncertain Significance. Algorithms developed to predict the effect of sequence changes on RNA splicing suggest that this variant may create or strengthen a splice site, but this prediction has not been confirmed by published transcriptional studies. Algorithms developed to predict the effect of missense changes on protein structure and function (SIFT, PolyPhen-2, Align-GVGD) all suggest that this variant is likely to be tolerated, but these predictions have not been confirmed by published functional studies and their clinical significance is uncertain. This variant has not been reported in the literature in individuals with STAG2-related conditions. This sequence change replaces asparagine with serine at codon 712 of the STAG2 protein (p.Asn712Ser). The asparagine residue is moderately conserved and there is a small physicochemical difference between asparagine and serine.

NM_001042750.2(STAG2):c.2135A>G (p.Asn712Ser)

Gene: STAG2 (STAG2 cohesin complex component; plus strand). Cytogenetic location: Xq25.
Variant type: single nucleotide variant.
Coding change: c.2135A>G on transcript NM_001042750.2 (MANE Select); coding-DNA position 2135, A replaced by G.
Protein change: p.Asn712Ser; replaces asparagine 712 with serine.
Molecular consequence: missense variant.
Genome position (GRCh38, 1-based): chrX:124,066,213, A>G. VCF-style: chrX-124066213-A-G. GRCh37 (hg19) VCF-style: chrX-123200063-A-G.
Other names: c.2135A>G, p.Asn712Ser (NM_001042749.2, NM_001042751.2, NM_001282418.2 and 13 more transcripts); short protein forms N712S.
Identifiers: ClinVar variation 1405789 (VCV001405789.8), dbSNP rs2058524572, ClinGen allele CA414273597.